The following is an entry in ClinVar:

NM_201384.3(PLEC):c.10338C>T (p.Ser3446=)

Gene: PLEC (plectin; minus strand). Cytogenetic location: 8q24.3.
Variant type: single nucleotide variant.
Coding change: c.10338C>T on transcript NM_201384.3 (MANE Select); coding-DNA position 10338, C replaced by T.
Protein change: p.Ser3446=; no amino-acid change (serine 3446 retained).
Molecular consequence: synonymous variant.
Genome position (GRCh38, 1-based): chr8:143,919,483, G>A on the plus strand (C>T on the coding strand, the complement: PLEC is on the minus strand). VCF-style: chr8-143919483-G-A. GRCh37 (hg19) VCF-style: chr8-144993651-G-A.
Other names: p.Ser3432=; c.10419C>T, p.Ser3473= (NM_000445.5); c.10296C>T, p.Ser3432= (NM_201378.4); c.10272C>T, p.Ser3424= (NM_201379.3); c.10749C>T, p.Ser3583= (NM_201380.4); c.10242C>T, p.Ser3414= (NM_201381.3); c.10338C>T, p.Ser3446= (NM_201382.4); c.10350C>T, p.Ser3450= (NM_201383.3).
Identifiers: ClinVar variation 384492 (VCV000384492.19), dbSNP rs62642461, ClinGen allele CA4924679.

ClinVar aggregate classification (germline): Benign/Likely benign. Review status: criteria provided, multiple submitters, no conflicts (2 of 4 stars). 6 submissions from 6 submitters: Benign (4); Likely benign (1). 1 of the submissions does not count toward it. Last evaluated 2026-01-26.

Conditions:
Autosomal recessive limb-girdle muscular dystrophy type 2Q (LGMDR17). Also called: MUSCULAR DYSTROPHY, LIMB-GIRDLE, AUTOSOMAL RECESSIVE 17. Identifiers: Orphanet 254361, MedGen C3150989, MONDO:0013390, OMIM 613723.
Epidermolysis bullosa simplex 5C, with pyloric atresia (EBS5C). Also called: PLEC1-Related Epidermolysis Bullosa with Pyloric Atresia; PLEC-Related Epidermolysis Bullosa with Pyloric Atresia; Epidermolysis bullosa simplex with pyloric atresia. Identifiers: Orphanet 158684, MedGen C2677349, MONDO:0012807, OMIM 612138.
Epidermolysis bullosa simplex with nail dystrophy (EBS5D). Identifiers: MedGen C4225309, MONDO:0014661, OMIM 616487.
Epidermolysis bullosa simplex, Ogna type (EBS5A). Also called: Pidermolysis bullosa simplex 5A, Ogna type; EPIDERMOLYSIS BULLOSA SIMPLEX 5A, OGNA TYPE. Identifiers: Orphanet 79401, MedGen C0432317, MONDO:0007555, OMIM 131950.
Epidermolysis bullosa simplex 5B, with muscular dystrophy (EBS5B). Also called: Epidermolysis bullosa simplex with muscular dystrophy; EPIDERMOLYSIS BULLOSA SIMPLEX AND LIMB-GIRDLE MUSCULAR DYSTROPHY. Identifiers: Orphanet 257, MedGen C2931072, MONDO:0009181, OMIM 226670.
PLEC-related disorder. Also called: PLEC-related disorders; PLEC-related condition.

Allele frequency attached by ClinVar (database versions not stated): gnomAD exomes 0.00033 and 0.00082; ExAC 0.00114; 1000 Genomes Project 30x 0.00219; 1000 Genomes Project 0.00220; gnomAD 0.00337 and 0.00361; TOPMed 0.00383; ESP Exome Variant Server 0.00461.
gnomAD v4.1: 1,000 of 1,613,210 alleles (0.062%); highest among the groups gnomAD compares: African/African-American, 1.2%; 4 homozygotes.

Submissions (6):

Labcorp Genetics (formerly Invitae), Labcorp
Classification: Benign for Autosomal recessive limb-girdle muscular dystrophy type 2Q; Epidermolysis bullosa simplex, Ogna type; Epidermolysis bullosa simplex with nail dystrophy; Epidermolysis bullosa simplex 5C, with pyloric atresia; Epidermolysis bullosa simplex 5B, with muscular dystrophy. Last evaluated: 2026-01-26. Review status: criteria provided, single submitter. Criteria: Invitae Variant Classification Sherloc (09022015). Collection method: clinical testing. Allele origin: germline.

Mayo Clinic Laboratories, Mayo Clinic
Classification: Benign. Last evaluated: 2025-07-31. Review status: criteria provided, single submitter. Criteria: ACMG Guidelines, 2015. Collection method: clinical testing. Allele origin: germline. Observed: 6 variant alleles.
Comment: BS1, BS2

Blueprint Genetics
Classification: Likely benign. Last evaluated: 2024-10-31. Review status: criteria provided, single submitter. Criteria: ACMG Guidelines, 2015. Collection method: clinical testing. Allele origin: germline.

Athena Diagnostics
Classification: Benign. Last evaluated: 2024-07-05. Review status: criteria provided, single submitter. Criteria: Athena Diagnostics Criteria. Collection method: clinical testing. Allele origin: unknown.

GeneDx
Classification: Benign. Last evaluated: 2019-01-29. Review status: criteria provided, single submitter. Criteria: GeneDx Variant Classification Process June 2021. Collection method: clinical testing. Allele origin: germline. Affected: yes.

PreventionGenetics, part of Exact Sciences
Classification: Benign for PLEC-related condition. Last evaluated: 2019-04-22. Review status: no assertion criteria provided. Collection method: clinical testing. Allele origin: germline. Not counted in ClinVar's aggregate classification.
Comment: This variant is classified as benign based on ACMG/AMP sequence variant interpretation guidelines (Richards et al. 2015 PMID: 25741868, with internal and published modifications).